The following is an entry in ClinVar:

NM_145046.5(CALR3):c.500G>A (p.Gly167Asp)

Gene: CALR3 (calreticulin 3; minus strand). Cytogenetic location: 19p13.11.
Variant type: single nucleotide variant.
Coding change: c.500G>A on transcript NM_145046.5 (MANE Select); coding-DNA position 500, G replaced by A.
Protein change: p.Gly167Asp; replaces glycine 167 with aspartic acid.
Molecular consequence: missense variant.
Genome position (GRCh38, 1-based): chr19:16,484,108, C>T on the plus strand (G>A on the coding strand, the complement: CALR3 is on the minus strand). VCF-style: chr19-16484108-C-T. GRCh37 (hg19) VCF-style: chr19-16594919-C-T.
Other names: short protein forms G167D.
Identifiers: ClinVar variation 1403444 (VCV001403444.9), dbSNP rs746917889, ClinGen allele CA9278358.

ClinVar aggregate classification (germline): Uncertain significance. Review status: criteria provided, multiple submitters, no conflicts (2 of 4 stars). 2 submissions from 2 submitters: Uncertain significance (2). Last evaluated 2024-10-25.

Conditions:
Hypertrophic cardiomyopathy 19. Also called: Familial hypertrophic cardiomyopathy 19. Identifiers: MedGen CN077603, MONDO:0013476.

Allele frequency attached by ClinVar (database versions not stated): TOPMed below 0.00001; gnomAD exomes 0.00001 and 0.00002.
gnomAD v4.1: 9 of 1,613,500 alleles (0.00056%); highest among the groups gnomAD compares: Admixed American, 0.012%; no homozygotes.

Submissions (2):

Labcorp Genetics (formerly Invitae), Labcorp
Classification: Uncertain significance for Hypertrophic cardiomyopathy 19. Last evaluated: 2024-10-25. Review status: criteria provided, single submitter. Criteria: Invitae Variant Classification Sherloc (09022015). Collection method: clinical testing. Allele origin: germline.
Comment: This sequence change replaces glycine, which is neutral and non-polar, with aspartic acid, which is acidic and polar, at codon 167 of the CALR3 protein (p.Gly167Asp). This variant is present in population databases (rs746917889, gnomAD 0.01%). This variant has not been reported in the literature in individuals affected with CALR3-related conditions. ClinVar contains an entry for this variant (Variation ID: 1403444). Invitae Evidence Modeling of protein sequence and biophysical properties (such as structural, functional, and spatial information, amino acid conservation, physicochemical variation, residue mobility, and thermodynamic stability) indicates that this missense variant is not expected to disrupt CALR3 protein function with a negative predictive value of 80%. In summary, the available evidence is currently insufficient to determine the role of this variant in disease. Therefore, it has been classified as a Variant of Uncertain Significance.

Breakthrough Genomics
Classification: Uncertain significance. Review status: criteria provided, single submitter. Criteria: ACMG Guidelines, 2015. Collection method: not provided. Allele origin: germline. Inheritance: Autosomal dominant inheritance. Affected: yes.